The following is an entry in ClinVar:

NM_001035.3(RYR2):c.11225A>C (p.Gln3742Pro)

Gene: RYR2 (ryanodine receptor 2; plus strand). Cytogenetic location: 1q43.
Variant type: single nucleotide variant.
Coding change: c.11225A>C on transcript NM_001035.3 (MANE Select); coding-DNA position 11225, A replaced by C.
Protein change: p.Gln3742Pro; replaces glutamine 3742 with proline.
Molecular consequence: missense variant.
Genome position (GRCh38, 1-based): chr1:237,756,367, A>C. VCF-style: chr1-237756367-A-C. GRCh37 (hg19) VCF-style: chr1-237919667-A-C.
Other names: p.Q3742P:CAG>CCG; c.11225A>C, p.Gln3742Pro (LRG_402t1); short protein forms Q3742P.
Identifiers: ClinVar variation 201310 (VCV000201310.2), dbSNP rs794728773, ClinGen allele CA006932.
Genomic context (GRCh38, chr1:237,756,367, plus strand): 5'-AAAAGCTTCTATACCAGCAAGCCCGACTCCACGATCGTGGCGCGGCTGAGATGGTGCTAC[A>C]GACAATCAGTGCCAGCAAAGGTAAGGTTCCTTGAGTTCCCCTCACGAGTGTCTGTTCTTC-3'
Protein context (NP_001026.2, residues 3732-3752): HDRGAAEMVL[Gln3742Pro]TISASKGETG

ClinVar aggregate classification (germline): Uncertain significance (1 of 4 stars; one submission).

Submission:

GeneDx
Classification: Uncertain significance. Last evaluated: 2012-09-13. Review status: criteria provided, single submitter. Criteria: GeneDx Variant Classification (06012015). Collection method: clinical testing. Allele origin: germline. Affected: yes.
Comment: p.Gln3742Pro (CAG>CCG): c.11225 A>C in exon 81 of the RYR2 gene (NM_001035.2). The Gln3742Pro variant in the RYR2 gene has not been reported as a disease-causing mutation or as a benign polymorphism to our knowledge. Gln3742Pro results in a non-conservative amino acid substitution of a polar Glutamine residue with a non-polar Proline residue at a position that is conserved in mammals. In silico analysis predicts Gln3742Pro is probably damaging to the protein structure/function. Additionally, the NHLBI ESP Exome Variant Server reports Gln3742Pro was not observed in approximately 6,000 samples from individuals of European and African American backgrounds, indicating it is not a common benign variant in these populations. Nevertheless, no mutations in nearby codons have been reported in association with CPVT. We cannot definitively determine if Gln3742Pro is a disease-causing mutation or a rare benign variant. The variant is found in CPVT panel(s).